The following is an entry in ClinVar:

NM_005751.5(AKAP9):c.8123A>G (p.Tyr2708Cys)

Gene: AKAP9 (A-kinase anchoring protein 9; plus strand). Cytogenetic location: 7q21.2.
Variant type: single nucleotide variant.
Coding change: c.8123A>G on transcript NM_005751.5 (MANE Select); coding-DNA position 8123, A replaced by G.
Protein change: p.Tyr2708Cys; replaces tyrosine 2708 with cysteine.
Molecular consequence: missense variant.
Genome position (GRCh38, 1-based): chr7:92,082,625, A>G. VCF-style: chr7-92082625-A-G. GRCh37 (hg19) VCF-style: chr7-91711939-A-G.
Other names: c.2768A>G, p.Tyr923Cys (NM_001379277.1); c.8099A>G, p.Tyr2700Cys (NM_147185.3); short protein forms Y2708C, Y2700C, Y923C.
Identifiers: ClinVar variation 3281848 (VCV003281848.1).

ClinVar aggregate classification (germline): Uncertain significance (1 of 4 stars; one submission).

Conditions:
Cardiovascular phenotype. Identifiers: MedGen CN230736.

gnomAD v4.1: 1 of 1,614,080 alleles (0.000062%); highest among the groups gnomAD compares: Non-Finnish European, 0.000085%; no homozygotes.

Submission:

Ambry Genetics
Classification: Uncertain significance for Cardiovascular phenotype. Last evaluated: 2024-04-14. Review status: criteria provided, single submitter. Criteria: Ambry Variant Classification Scheme 2023. Collection method: clinical testing. Allele origin: germline.
Comment: The p.Y2708C variant (also known as c.8123A>G), located in coding exon 32 of the AKAP9 gene, results from an A to G substitution at nucleotide position 8123. The tyrosine at codon 2708 is replaced by cysteine, an amino acid with highly dissimilar properties. This amino acid position is conserved. In addition, this alteration is predicted to be tolerated by in silico analysis. Based on the available evidence, the clinical significance of this variant remains unclear.